The following is an entry in ClinVar:

ClinVar aggregate classification (germline): Uncertain significance (1 of 4 stars; one submission).

Conditions:
Mitochondrial DNA depletion syndrome 13. Also called: FBXL4-Related Encephalomyopathic Mitochondrial DNA Depletion Syndrome; Mitochondrial DNA depletion syndrome 13 (encephalomyopathic type). Identifiers: Orphanet 369897, MedGen C3809592, MONDO:0014198, OMIM 615471.

Allele frequency attached by ClinVar (database versions not stated): ExAC 0.00001; gnomAD exomes 0.00001.
gnomAD v4.1: 8 of 1,607,976 alleles (0.0005%); highest among the groups gnomAD compares: Admixed American, 0.0017%; no homozygotes.

Submission:

Wong Mito Lab, Molecular and Human Genetics, Baylor College of Medicine
Classification: Uncertain significance for Mitochondrial DNA depletion syndrome 13. Last evaluated: 2017-08-10. Review status: criteria provided, single submitter. Criteria: ACMG Guidelines, 2015. Collection method: reference population. Allele origin: germline.
Comment: The NM_012160.4:c.491C>T (NP_036292.2:p.Pro164Leu) [GRCH38: NC_000006.12:g.98926498G>A] variant in FBXL4 gene is interpretated to be a Uncertain Significance - Conflicting Evidence based on ACMG guidelines (PMID: 25741868). This variant meets one or more of the following evidence codes reported in the ACMG-guideline. PM2:This variant is absent in key population databases. BP4:Computational evidence/predictors indicate no impact on the FBXL4 structure, function, or protein-protein interaction. Based on this evidence code ClinGen Pathogenicity Calculator (PMID:28081714) suggested that the variant is Uncertain Significance - Conflicting Evidence.

NM_001278716.2(FBXL4):c.491C>T (p.Pro164Leu)

Gene: FBXL4 (F-box and leucine rich repeat protein 4; minus strand). Cytogenetic location: 6q16.2.
Variant type: single nucleotide variant.
Coding change: c.491C>T on transcript NM_001278716.2 (MANE Select); coding-DNA position 491, C replaced by T.
Protein change: p.Pro164Leu; replaces proline 164 with leucine.
Molecular consequence: missense variant. On other transcripts: non-coding transcript variant (2).
Genome position (GRCh38, 1-based): chr6:98,926,498, G>A on the plus strand (C>T on the coding strand, the complement: FBXL4 is on the minus strand). VCF-style: chr6-98926498-G-A. GRCh37 (hg19) VCF-style: chr6-99374374-G-A.
Other names: c.491C>T, p.Pro164Leu (NM_012160.5); short protein forms P164L.
Identifiers: ClinVar variation 437583 (VCV000437583.1), dbSNP rs764357914, ClinGen allele CA3933680.